The following is an entry in ClinVar:

ClinVar aggregate classification (germline): Uncertain significance (1 of 4 stars; one submission).

gnomAD v4.1: 3 of 1,614,060 alleles (0.00019%); highest among the groups gnomAD compares: African/African-American, 0.0027%; no homozygotes.

Submission:

Labcorp Genetics (formerly Invitae), Labcorp
Classification: Uncertain significance. Last evaluated: 2022-09-06. Review status: criteria provided, single submitter. Criteria: Invitae Variant Classification Sherloc (09022015). Collection method: clinical testing. Allele origin: germline.
Comment: In summary, the available evidence is currently insufficient to determine the role of this variant in disease. Therefore, it has been classified as a Variant of Uncertain Significance. Advanced modeling of protein sequence and biophysical properties (such as structural, functional, and spatial information, amino acid conservation, physicochemical variation, residue mobility, and thermodynamic stability) performed at Invitae indicates that this missense variant is not expected to disrupt CNGB3 protein function. ClinVar contains an entry for this variant (Variation ID: 1497042). This variant has not been reported in the literature in individuals affected with CNGB3-related conditions. This variant is not present in population databases (gnomAD no frequency). This sequence change replaces asparagine, which is neutral and polar, with serine, which is neutral and polar, at codon 467 of the CNGB3 protein (p.Asn467Ser).

NM_019098.5(CNGB3):c.1400A>G (p.Asn467Ser)

Gene: CNGB3 (cyclic nucleotide gated channel subunit beta 3; minus strand). Cytogenetic location: 8q21.3.
Variant type: single nucleotide variant.
Coding change: c.1400A>G on transcript NM_019098.5 (MANE Select); coding-DNA position 1400, A replaced by G.
Protein change: p.Asn467Ser; replaces asparagine 467 with serine.
Molecular consequence: missense variant.
Genome position (GRCh38, 1-based): chr8:86,628,999, T>C on the plus strand (A>G on the coding strand, the complement: CNGB3 is on the minus strand). VCF-style: chr8-86628999-T-C. GRCh37 (hg19) VCF-style: chr8-87641227-T-C.
Other names: short protein forms N467S.
Identifiers: ClinVar variation 1497042 (VCV001497042.8), dbSNP rs577006745, ClinGen allele CA180338283.